The following is an entry in ClinVar:

NM_001387690.1(KATNAL2):c.1211+6970A>G

Gene: KATNAL2 (katanin catalytic subunit A1 like 2; plus strand). Cytogenetic location: 18q21.1.
Variant type: single nucleotide variant.
Coding change: c.1211+6970A>G on transcript NM_001387690.1 (MANE Select); 6970 bases into the intron after coding-DNA position 1211, A replaced by G.
Molecular consequence: intron variant. On other transcripts: missense variant (1), 3 prime UTR variant (1).
Genome position (GRCh38, 1-based): chr18:47,084,431, A>G. VCF-style: chr18-47084431-A-G. GRCh37 (hg19) VCF-style: chr18-44610802-A-G.
Other names: c.952A>G, p.Ser318Gly (NM_001353907.1); c.*36A>G (NM_001353909.1); c.779+6970A>G (NM_001353904.1, NM_001353908.1); c.1289+6970A>G (NM_001353899.1); c.1286+6970A>G (NM_001353900.1); c.878+6970A>G (NM_001353903.1, NM_001353905.1, NM_001353906.1); c.1211+6970A>G (NM_001353901.1, NM_001367621.1); c.1190+6970A>G (NM_001353902.1); and 1 more; short protein forms S318G.
Identifiers: ClinVar variation 4986704 (VCV004986704.1).

ClinVar aggregate classification (germline): Uncertain significance (1 of 4 stars; one submission).

Conditions:
KATNAL2-related disorder. Also called: KATNAL2-related condition.

Submission:

PreventionGenetics, part of Exact Sciences
Classification: Uncertain significance for KATNAL2-related condition. Last evaluated: 2026-06-03. Review status: criteria provided, single submitter. Criteria: ACMG Guidelines, 2015. Collection method: clinical testing. Allele origin: germline.
Comment: The KATNAL2 c.952A>G variant is predicted to result in the amino acid substitution p.Ser318Gly. To our knowledge, this variant has not been reported in the literature or in a large population database (gnomAD), indicating this variant is rare. At this time, the clinical significance of this variant is uncertain due to the absence of conclusive functional and genetic evidence.